The following is an entry in ClinVar:

NM_001267550.2(TTN):c.49649A>T (p.Asp16550Val)

Genes: TTN-AS1 (TTN antisense RNA 1; plus strand), TTN (titin; minus strand). Cytogenetic location: 2q31.2.
Variant type: single nucleotide variant.
Coding change: c.49649A>T on transcript NM_001267550.2 (MANE Select); coding-DNA position 49649, A replaced by T.
Protein change: p.Asp16550Val; replaces aspartic acid 16550 with valine.
Molecular consequence: missense variant.
Genome position (GRCh38, 1-based): chr2:178,613,072, T>A on the plus strand (A>T on the coding strand, the complement: TTN is on the minus strand). VCF-style: chr2-178613072-T-A. GRCh37 (hg19) VCF-style: chr2-179477799-T-A.
Other names: c.44726A>T, p.Asp14909Val (NM_001256850.1); c.22454A>T, p.Asp7485Val (NM_003319.4); c.41945A>T, p.Asp13982Val (NM_133378.4); c.22829A>T, p.Asp7610Val (NM_133432.3); c.23030A>T, p.Asp7677Val (NM_133437.4); short protein forms D14909V, D16550V, D7485V, D13982V, D7610V, D7677V.
Identifiers: ClinVar variation 1788328 (VCV001788328.4), dbSNP rs551846967, ClinGen allele CA1994538.

ClinVar aggregate classification (germline): Uncertain significance. Review status: criteria provided, multiple submitters, no conflicts (2 of 4 stars). 2 submissions from 2 submitters: Uncertain significance (2). Last evaluated 2020-02-04.

Conditions:
Tibial muscular dystrophy (TMD). Also called: Udd Distal Myopathy – Tibial Muscular Dystrophy; UDD MYOPATHY; Tibial muscular dystrophy, tardive. Identifiers: Orphanet 609, MedGen C1838244, MONDO:0010870, OMIM 600334.
Dilated cardiomyopathy 1G (CMD1G). Identifiers: Orphanet 154, MedGen C1858763, MONDO:0011400, OMIM 604145.
Hypertrophic cardiomyopathy 9. Also called: Familial hypertrophic cardiomyopathy 9. Identifiers: MedGen C1861065, MONDO:0013412, OMIM 613765.
Myopathy, myofibrillar, 9, with early respiratory failure (MFM9). Also called: Myopathy, distal, with early respiratory failure, autosomal dominant; Hereditary myopathy with early respiratory failure; EDSTROM MYOPATHY; MYOPATHY, PROXIMAL, WITH EARLY RESPIRATORY MUSCLE INVOLVEMENT. Identifiers: Orphanet 178464, Orphanet 34521, MedGen C1863599, MONDO:0011362, OMIM 603689.
Early-onset myopathy with fatal cardiomyopathy (CMYO5). Also called: CONGENITAL MYOPATHY 5 WITH CARDIOMYOPATHY; Salih Myopathy. Identifiers: Orphanet 289377, MedGen C2673677, MONDO:0012714, OMIM 611705. Disease mechanism: loss of function.
Autosomal recessive limb-girdle muscular dystrophy type 2J (LGMDR10). Also called: MUSCULAR DYSTROPHY, LIMB-GIRDLE, AUTOSOMAL RECESSIVE 10; Limb-girdle muscular dystrophy, type 2J. Identifiers: Orphanet 140922, MedGen C1837342, MONDO:0012127, OMIM 608807.
Cardiovascular phenotype. Identifiers: MedGen CN230736.

Allele frequency attached by ClinVar (database versions not stated): gnomAD exomes 0.00001; gnomAD 0.00002; TOPMed 0.00002; ExAC 0.00004; 1000 Genomes Project 30x 0.00016; 1000 Genomes Project 0.00020.
gnomAD v4.1: 17 of 1,612,468 alleles (0.0011%); highest among the groups gnomAD compares: East Asian, 0.036%; no homozygotes.

Submissions (2):

Ambry Genetics
Classification: Uncertain significance for Cardiovascular phenotype. Last evaluated: 2020-02-04. Review status: criteria provided, single submitter. Criteria: Ambry Variant Classification Scheme 2023. Collection method: clinical testing. Allele origin: germline.
Comment: The p.D7485V variant (also known as c.22454A>T) is located in coding exon 92 of the TTN gene. The aspartic acid at codon 7485 is replaced by valine, an amino acid with highly dissimilar properties. This change occurs in the first base pair of coding exon 92. This amino acid position is highly conserved in available vertebrate species. In addition, the in silico prediction for this alteration is inconclusive. Since supporting evidence is limited at this time, the clinical significance of this alteration remains unclear.

Juno Genomics, Hangzhou Juno Genomics, Inc
Classification: Uncertain significance for Hypertrophic cardiomyopathy 9; Dilated cardiomyopathy 1G; Early-onset myopathy with fatal cardiomyopathy; Autosomal recessive limb-girdle muscular dystrophy type 2J; Myopathy, myofibrillar, 9, with early respiratory failure; Tibial muscular dystrophy. Review status: criteria provided, single submitter. Criteria: ACMG Guidelines, 2015. Collection method: clinical testing. Allele origin: germline.
Comment: Absent from controls (or at extremely low frequency if recessive) in Genome Aggregation Database.;Multiple lines of computational evidence support a deleterious effect on the gene or gene product.;Missense variant in a gene that has a low rate of benign missense variation.